The following is an entry in ClinVar:

NM_000059.4(BRCA2):c.7670C>T (p.Ala2557Val)

Gene: BRCA2 (BRCA2 DNA repair associated; plus strand). Cytogenetic location: 13q13.1.
Variant type: single nucleotide variant.
Coding change: c.7670C>T on transcript NM_000059.4 (MANE Select); coding-DNA position 7670, C replaced by T.
Protein change: p.Ala2557Val; replaces alanine 2557 with valine.
Molecular consequence: missense variant.
Genome position (GRCh38, 1-based): chr13:32,357,794, C>T. VCF-style: chr13-32357794-C-T. GRCh37 (hg19) VCF-style: chr13-32931931-C-T.
Other names: short protein forms A2557V.
Identifiers: ClinVar variation 419030 (VCV000419030.17), dbSNP rs775219538, ClinGen allele CA6941128.

ClinVar aggregate classification (germline): Uncertain significance. Review status: criteria provided, multiple submitters, no conflicts (2 of 4 stars). 7 submissions from 7 submitters: Uncertain significance (6). 1 of the submissions does not count toward it. Last evaluated 2025-03-07.

Conditions:
Familial cancer of breast. Also called: Hereditary breast cancer; BREAST CANCER, FAMILIAL; hereditary breast carcinoma. Identifiers: Orphanet 227535, MedGen C0346153, MONDO:0016419, OMIM 114480. Disease mechanism: loss of function.
Hereditary breast ovarian cancer syndrome. Also called: Hereditary breast and ovarian cancer; Hereditary breast and/or ovarian cancer syndrome; Hereditary breast and ovarian cancer syndrome; Hereditary breast and ovarian cancer syndrome (HBOC); Breast and ovarian cancer; BRCA1- and BRCA2-Associated Hereditary Breast and Ovarian Cancer. Identifiers: Orphanet 145, MedGen C0677776, MeSH D061325, MONDO:0003582. Disease mechanism: loss of function.
BRCA2-related cancer predisposition. Identifiers: MedGen CN377758, MONDO:0700269.
Hereditary cancer-predisposing syndrome. Also called: Hereditary neoplastic syndrome; Tumor predisposition; Neoplastic Syndromes, Hereditary; Hereditary Cancer Syndrome. Identifiers: Orphanet 140162, MedGen C0027672, MeSH D009386, MONDO:0015356.

Allele frequency attached by ClinVar (database versions not stated): gnomAD exomes below 0.00001; ExAC 0.00001.

Submissions (7):

Labcorp Genetics (formerly Invitae), Labcorp
Classification: Uncertain significance for Hereditary breast ovarian cancer syndrome. Last evaluated: 2025-03-07. Review status: criteria provided, single submitter. Criteria: Invitae Variant Classification Sherloc (09022015). Collection method: clinical testing. Allele origin: germline.
Comment: This sequence change replaces alanine, which is neutral and non-polar, with valine, which is neutral and non-polar, at codon 2557 of the BRCA2 protein (p.Ala2557Val). This variant is present in population databases (rs775219538, gnomAD 0.006%). This missense change has been observed in individual(s) with breast cancer (PMID: 35918668). ClinVar contains an entry for this variant (Variation ID: 419030). Invitae Evidence Modeling of protein sequence and biophysical properties (such as structural, functional, and spatial information, amino acid conservation, physicochemical variation, residue mobility, and thermodynamic stability) has been performed for this missense variant. However, the output from this modeling did not meet the statistical confidence thresholds required to predict the impact of this variant on BRCA2 protein function. In summary, the available evidence is currently insufficient to determine the role of this variant in disease. Therefore, it has been classified as a Variant of Uncertain Significance.

Ambry Genetics
Classification: Uncertain significance for Hereditary cancer-predisposing syndrome. Last evaluated: 2025-02-26. Review status: criteria provided, single submitter. Criteria: Ambry Variant Classification Scheme 2023. Collection method: clinical testing. Allele origin: germline.
Comment: The p.A2557V variant (also known as c.7670C>T), located in coding exon 15 of the BRCA2 gene, results from a C to T substitution at nucleotide position 7670. The alanine at codon 2557 is replaced by valine, an amino acid with similar properties. This variant was detected in 1/1664 Chinese Hakka individuals diagnosed with breast and/or ovarian cancer (Zhang Y et al. BMC Cancer, 2022 Aug;22:842). This amino acid position is well conserved in available vertebrate species. In addition, this alteration is predicted to be deleterious by in silico analysis. Based on the available evidence, the clinical significance of this variant remains unclear.

Department of Pathology and Laboratory Medicine, Sinai Health System
Classification: Uncertain significance for BRCA2-related cancer predisposition. Last evaluated: 2024-12-30. Review status: criteria provided, single submitter. Criteria: ACMG Guidelines, 2015. Collection method: clinical testing. Allele origin: germline.

Color Diagnostics, LLC DBA Color Health
Classification: Uncertain significance for Hereditary cancer-predisposing syndrome. Last evaluated: 2019-05-03. Review status: criteria provided, single submitter. Criteria: ACMG Guidelines, 2015. Collection method: clinical testing. Allele origin: germline.

Quest Diagnostics Nichols Institute San Juan Capistrano
Classification: Uncertain significance. Last evaluated: 2016-12-05. Review status: criteria provided, single submitter. Criteria: Quest Diagnostics criteria. Collection method: clinical testing. Allele origin: germline.

GeneDx
Classification: Uncertain significance. Last evaluated: 2015-05-11. Review status: criteria provided, single submitter. Criteria: GeneDx Variant Classification (06012015). Collection method: clinical testing. Allele origin: germline. Affected: yes.
Comment: This variant is denoted BRCA2 c.7670C>T at the cDNA level, p.Ala2557Val (A2557V) at the protein level, and results in the change of an Alanine to a Valine (GCA>GTA). Using alternate nomenclature, this variant would be defined as BRCA2 7898C>T. This variant has not, to our knowledge, been published in the literature as pathogenic or benign. BRCA2 Ala2557Val was not observed in approximately 6,500 individuals of European and African American ancestry in the NHLBI Exome Sequencing Project, indicating it is not a common benign variant in these populations. Since Alanine and Valine share similar properties, this is considered a conservative amino acid substitution. BRCA2 Ala2557Val occurs at a position that is conserved in mammals and is located within the DNA binding domain (Borg 2010). In silico analyses predict that this variant is probably damaging to protein structure and function. Based on currently available information, it is unclear whether BRCA2 Ala2557Val is pathogenic or benign. We consider it to be a variant of uncertain significance.

Center for Precision Medicine, Meizhou People's Hospital
Classification: Uncertain significance for Familial cancer of breast. Review status: no assertion criteria provided. Collection method: curation. Allele origin: germline. Affected: yes. Not counted in ClinVar's aggregate classification.

Literature cited by the submitters: PubMed 35918668 (cited by 3 submitters).